The following is an entry in ClinVar:

ClinVar aggregate classification (germline): Likely benign (1 of 4 stars; one submission).

Allele frequency attached by ClinVar (database versions not stated): TOPMed below 0.00001; gnomAD 0.00001.

Submission:

GeneDx
Classification: Likely benign. Last evaluated: 2016-08-11. Review status: criteria provided, single submitter. Criteria: GeneDx Variant Classification (06012015). Collection method: clinical testing. Allele origin: germline. Affected: yes.
Comment: This variant is considered likely benign or benign based on one or more of the following criteria: it is a conservative change, it occurs at a poorly conserved position in the protein, it is predicted to be benign by multiple in silico algorithms, and/or has population frequency not consistent with disease.

NM_022489.4(INF2):c.2139-11G>A

Gene: INF2 (inverted formin 2; plus strand). Cytogenetic location: 14q32.33.
Variant type: single nucleotide variant.
Coding change: c.2139-11G>A on transcript NM_022489.4 (MANE Select); 11 bases into the intron before coding-DNA position 2139, G replaced by A.
Molecular consequence: intron variant.
Genome position (GRCh38, 1-based): chr14:104,710,077, G>A. VCF-style: chr14-104710077-G-A. GRCh37 (hg19) VCF-style: chr14-105176414-G-A.
Other names: c.2139-11G>A (NM_001031714.4).
Identifiers: ClinVar variation 388522 (VCV000388522.1), dbSNP rs1057523138, ClinGen allele CA16607575.